The following is an entry in ClinVar:

ClinVar aggregate classification (germline): Uncertain significance (1 of 4 stars; one submission).

Submission:

Labcorp Genetics (formerly Invitae), Labcorp
Classification: Uncertain significance. Last evaluated: 2023-08-10. Review status: criteria provided, single submitter. Criteria: Invitae Variant Classification Sherloc (09022015). Collection method: clinical testing. Allele origin: germline.
Comment: In summary, the available evidence is currently insufficient to determine the role of this variant in disease. Therefore, it has been classified as a Variant of Uncertain Significance. Experimental studies and prediction algorithms are not available or were not evaluated, and the functional significance of this variant is currently unknown. ClinVar contains an entry for this variant (Variation ID: 2003775). This variant has not been reported in the literature in individuals affected with SAMD9L-related conditions. This variant is not present in population databases (gnomAD no frequency). This sequence change creates a premature translational stop signal (p.Gln184*) in the SAMD9L gene. While this is not anticipated to result in nonsense mediated decay, it is expected to disrupt the last 1401 amino acid(s) of the SAMD9L protein.

NM_152703.5(SAMD9L):c.550C>T (p.Gln184Ter)

Gene: SAMD9L (sterile alpha motif domain containing 9 like; minus strand). Cytogenetic location: 7q21.2.
Variant type: single nucleotide variant.
Coding change: c.550C>T on transcript NM_152703.5 (MANE Select); coding-DNA position 550, C replaced by T.
Protein change: p.Gln184Ter; replaces glutamine 184 with a stop codon.
Molecular consequence: nonsense.
Genome position (GRCh38, 1-based): chr7:93,135,422, G>A on the plus strand (C>T on the coding strand, the complement: SAMD9L is on the minus strand). VCF-style: chr7-93135422-G-A. GRCh37 (hg19) VCF-style: chr7-92764735-G-A.
Other names: c.550C>T, p.Gln184Ter (NM_001303496.3, NM_001303497.3, NM_001303498.3 and 5 more transcripts); short protein forms Q184*.
Identifiers: ClinVar variation 2003775 (VCV002003775.4), dbSNP rs2535437002, ClinGen allele CA368202521.